The following is an entry in ClinVar:

ClinVar aggregate classification (germline): Uncertain significance (1 of 4 stars; one submission).

Submission:

Ambry Genetics
Classification: Uncertain significance. Last evaluated: 2024-02-25. Review status: criteria provided, single submitter. Criteria: Ambry Variant Classification Scheme 2023. Collection method: clinical testing. Allele origin: germline.
Comment: The p.K398N variant (also known as c.1194G>T), located in coding exon 3 of the TERF2IP gene, results from a G to T substitution at nucleotide position 1194. The lysine at codon 398 is replaced by asparagine, an amino acid with similar properties. This amino acid position is conserved. In addition, this alteration is predicted to be tolerated by in silico analysis. Based on the available evidence, the clinical significance of this alteration remains unclear.

NM_018975.4(TERF2IP):c.1194G>T (p.Lys398Asn)

Gene: TERF2IP (TERF2 interacting protein; plus strand). Cytogenetic location: 16q23.1.
Variant type: single nucleotide variant.
Coding change: c.1194G>T on transcript NM_018975.4 (MANE Select); coding-DNA position 1194, G replaced by T.
Protein change: p.Lys398Asn; replaces lysine 398 with asparagine.
Molecular consequence: missense variant. On other transcripts: non-coding transcript variant (1).
Genome position (GRCh38, 1-based): chr16:75,656,605, G>T. VCF-style: chr16-75656605-G-T. GRCh37 (hg19) VCF-style: chr16-75690503-G-T.
Other names: short protein forms K398N.
Identifiers: ClinVar variation 3227157 (VCV003227157.1), dbSNP rs1339312022, ClinGen allele CA396820467.